The following is an entry in ClinVar:

NM_014208.3(DSPP):c.2961C>G (p.Asp987Glu)

Genes: DMP1-AS1 (DMP1 and DSPP antisense RNA 1; minus strand), DSPP (dentin sialophosphoprotein; plus strand). Cytogenetic location: 4q22.1.
Variant type: single nucleotide variant.
Coding change: c.2961C>G on transcript NM_014208.3 (MANE Select); coding-DNA position 2961, C replaced by G.
Protein change: p.Asp987Glu; replaces aspartic acid 987 with glutamic acid.
Molecular consequence: missense variant.
Genome position (GRCh38, 1-based): chr4:87,615,623, C>G. VCF-style: chr4-87615623-C-G. GRCh37 (hg19) VCF-style: chr4-88536775-C-G.
Other names: short protein forms D987E.
Identifiers: ClinVar variation 2682546 (VCV002682546.1), dbSNP rs1255116153, ClinGen allele CA357611157.

ClinVar aggregate classification (germline): Uncertain significance (1 of 4 stars; one submission).

Submission:

Women's Health and Genetics/Laboratory Corporation of America, LabCorp
Classification: Uncertain significance. Last evaluated: 2023-11-15. Review status: criteria provided, single submitter. Criteria: LabCorp Variant Classification Summary - May 2015. Collection method: clinical testing. Allele origin: germline.
Comment: Variant summary: DSPP c.2961C>G (p.Asp987Glu) results in a conservative amino acid change in the encoded protein sequence. Three of five in-silico tools predict a benign effect of the variant on protein function. The variant was absent in 152394 control chromosomes (gnomAD). The available data on variant occurrences in the general population are insufficient to allow any conclusion about variant significance. To our knowledge, no occurrence of c.2961C>G in individuals affected with Dentinogenesis Imperfecta Type 2 and no experimental evidence demonstrating its impact on protein function have been reported. No submitters have reported clinical-significance assessments for this variant to ClinVar after 2014. Based on the evidence outlined above, the variant was classified as uncertain significance.